The following is an entry in ClinVar:

NM_000057.4(BLM):c.799+5C>A

Gene: BLM (BLM RecQ like helicase; plus strand). Cytogenetic location: 15q26.1.
Variant type: single nucleotide variant.
Coding change: c.799+5C>A on transcript NM_000057.4 (MANE Select); 5 bases into the intron after coding-DNA position 799, C replaced by A.
Molecular consequence: intron variant.
Genome position (GRCh38, 1-based): chr15:90,750,072, C>A. VCF-style: chr15-90750072-C-A. GRCh37 (hg19) VCF-style: chr15-91293302-C-A.
Other names: c.799+5C>A (NM_001287246.2, NM_001287247.2); c.-493+5C>A (NM_001287248.2).
Identifiers: ClinVar variation 1761518 (VCV001761518.7), dbSNP rs2151148243, ClinGen allele CA2575835798.

ClinVar aggregate classification (germline): Uncertain significance. Review status: criteria provided, multiple submitters, no conflicts (2 of 4 stars). 2 submissions from 2 submitters: Uncertain significance (2). Last evaluated 2024-06-19.

Conditions:
Hereditary cancer-predisposing syndrome. Also called: Neoplastic Syndromes, Hereditary; Tumor predisposition; Hereditary Cancer Syndrome; Hereditary neoplastic syndrome. Identifiers: Orphanet 140162, MedGen C0027672, MeSH D009386, MONDO:0015356.
Bloom syndrome (BLM). Also called: Bloom-Torre-Machacek syndrome. Identifiers: Orphanet 125, MedGen C0005859, MONDO:0008876, OMIM 210900.

Allele frequency attached by ClinVar (database versions not stated): gnomAD exomes 0.00002.
gnomAD v4.1: 25 of 1,612,470 alleles (0.0016%); highest among the groups gnomAD compares: Non-Finnish European, 0.0021%; no homozygotes.

Submissions (2):

Labcorp Genetics (formerly Invitae), Labcorp
Classification: Uncertain significance for Bloom syndrome. Last evaluated: 2024-06-19. Review status: criteria provided, single submitter. Criteria: Invitae Variant Classification Sherloc (09022015). Collection method: clinical testing. Allele origin: germline.
Comment: This sequence change falls in intron 3 of the BLM gene. It does not directly change the encoded amino acid sequence of the BLM protein. It affects a nucleotide within the consensus splice site. This variant is not present in population databases (gnomAD no frequency). This variant has not been reported in the literature in individuals affected with BLM-related conditions. ClinVar contains an entry for this variant (Variation ID: 1761518). Variants that disrupt the consensus splice site are a relatively common cause of aberrant splicing (PMID: 17576681, 9536098). Algorithms developed to predict the effect of sequence changes on RNA splicing suggest that this variant is not likely to affect RNA splicing. In summary, the available evidence is currently insufficient to determine the role of this variant in disease. Therefore, it has been classified as a Variant of Uncertain Significance.

Ambry Genetics
Classification: Uncertain significance for Hereditary cancer-predisposing syndrome. Last evaluated: 2020-01-13. Review status: criteria provided, single submitter. Criteria: Ambry Variant Classification Scheme 2023. Collection method: clinical testing. Allele origin: germline.
Comment: The c.799+5C>A intronic variant results from a C to A substitution 5 nucleotides after coding exon 2 in the BLM gene. This nucleotide position is poorly conserved in available vertebrate species. Using the BDGP and ESEfinder splice site prediction tools, this alteration is not predicted to have any significant effect on this splice donor site; however, direct evidence is unavailable. Since supporting evidence is limited at this time, the clinical significance of this alteration remains unclear.

Literature cited by the submitters: PubMed 17576681 (cited by Labcorp Genetics (formerly Invitae), Labcorp); PubMed 9536098 (cited by Labcorp Genetics (formerly Invitae), Labcorp).